The following is an entry in ClinVar:

ClinVar aggregate classification (germline): Uncertain significance. Review status: criteria provided, single submitter (1 of 4 stars). 2 submissions from 2 submitters: Uncertain significance (1). 1 of the submissions does not count toward it. Last evaluated 2024-05-20.

Conditions:
TNF receptor-associated periodic fever syndrome (TRAPS) (FPF). Also called: Autosomal Dominant Familial Periodic Fever; TNF RECEPTOR-ASSOCIATED PERIODIC SYNDROME; TUMOR NECROSIS FACTOR RECEPTOR-ASSOCIATED PERIODIC SYNDROME; TNF Receptor-Associated Periodic Fever Syndrome; FAMILIAL HIBERNIAN FEVER; TNF receptor 1-associated periodic fever syndrome. Identifiers: Orphanet 32960, MedGen C1275126, MONDO:0007727, OMIM 142680.

Submissions (2):

GeneDx
Classification: Uncertain significance. Last evaluated: 2024-05-20. Review status: criteria provided, single submitter. Criteria: GeneDx Variant Classification Process June 2021. Collection method: clinical testing. Allele origin: germline. Affected: yes.
Comment: Reported in the InFevers database in association with TRAPS; however, no specific information on the patient is available (PMID: 21153350); Not observed at significant frequency in large population cohorts (gnomAD); In silico analysis supports that this missense variant has a deleterious effect on protein structure/function; Also known as p.H22R; This variant is associated with the following publications: (PMID: 21153350)

Unité médicale des maladies autoinflammatoires, CHRU Montpellier
No classification provided. Condition: TNF receptor-associated periodic fever syndrome (TRAPS). Review status: no classification provided. Collection method: not provided. Allele origin: unknown. Not counted in ClinVar's aggregate classification.

NM_001065.4(TNFRSF1A):c.152A>G (p.His51Arg)

Gene: TNFRSF1A (TNF receptor superfamily member 1A; minus strand). Cytogenetic location: 12p13.31.
Variant type: single nucleotide variant.
Coding change: c.152A>G on transcript NM_001065.4 (MANE Select); coding-DNA position 152, A replaced by G.
Protein change: p.His51Arg; replaces histidine 51 with arginine.
Molecular consequence: missense variant. On other transcripts: 5 prime UTR variant (1), non-coding transcript variant (1), intron variant (1).
Genome position (GRCh38, 1-based): chr12:6,334,132, T>C on the plus strand (A>G on the coding strand, the complement: TNFRSF1A is on the minus strand). VCF-style: chr12-6334132-T-C. GRCh37 (hg19) VCF-style: chr12-6443298-T-C.
Other names: c.-426A>G (NM_001346092.2); c.-131-267A>G (NM_001346091.2); c.152A>G (NM_001065.3); short protein forms H51R.
Identifiers: ClinVar variation 97647 (VCV000097647.2), dbSNP rs104895289, ClinGen allele CA280707.
Genomic context (GRCh38, chr12:6,334,132, plus strand): 5'-CGTTTCCACTTGCCCCTACCTTTGTGGCACTTGGTACAGCAAATCGAATTATTTTGAGGG[T>C]GGATATATTTTCCTTGGGGACACACACTATCTCTCTTCTCCCTGTCCCCTAGGTGAGGGA-3'
Protein context (NP_001056.1, residues 41-61): DSVCPQGKYI[His51Arg]PQNNSICCTK